The following is an entry in ClinVar:

NM_000492.4(CFTR):c.3276C>A (p.Tyr1092Ter)

Genes: CFTR (CF transmembrane conductance regulator; plus strand), CFTR-AS2 (CFTR antisense RNA 2; minus strand), LOC111674472 (DNase I hypersensitive sites in introns 16 and 17a of CFTR; plus strand). Cytogenetic location: 7q31.2.
Variant type: single nucleotide variant.
Coding change: c.3276C>A on transcript NM_000492.4 (MANE Select); coding-DNA position 3276, C replaced by A.
Protein change: p.Tyr1092Ter; replaces tyrosine 1092 with a stop codon.
Molecular consequence: nonsense.
Genome position (GRCh38, 1-based): chr7:117,611,717, C>A. VCF-style: chr7-117611717-C-A. GRCh37 (hg19) VCF-style: chr7-117251771-C-A.
Other names: Y1092X C->A; short protein forms Y1092*.
Identifiers: ClinVar variation 38728 (VCV000038728.59), dbSNP rs121908761, ClinGen allele CA269813.
Genomic context (GRCh38, chr7:117,611,717, plus strand): 5'-TTACTTTGAAACTCTGTTCCACAAAGCTCTGAATTTACATACTGCCAACTGGTTCTTGTA[C>A]CTGTCAACACTGCGCTGGTTCCAAATGAGAATAGAAATGATTTTTGTCATCTTCTTCATT-3'

ClinVar aggregate classification (germline): Pathogenic. Review status: reviewed by expert panel (3 of 4 stars). 26 submissions from 25 submitters: Pathogenic (1). 25 of the submissions do not count toward it. Last evaluated 2017-03-17.

Conditions:
CFTR-related disorder (CFTR-RD). Also called: CFTR-related condition; CFTR-related disorders. Identifiers: MedGen C5924204, MONDO:7770004.
Congenital bilateral aplasia of vas deferens from CFTR mutation (CBAVD). Identifiers: Orphanet 48, MedGen C0403814, MONDO:0010178, OMIM 277180. Disease mechanism: loss of function.
Cystic fibrosis (CF). Also called: MUCOVISCIDOSIS. Identifiers: Orphanet 586, MedGen C0010674, MONDO:0009061, OMIM 219700. Disease mechanism: loss of function.
Bronchiectasis with or without elevated sweat chloride 1 (BESC1). Also called: Cystic Fibrosis-Like Syndrome. Identifiers: Orphanet 60033, MedGen C2749757, MONDO:0008887, OMIM 211400.
Hereditary pancreatitis (PCTT). Also called: PRSS1-Related Hereditary Pancreatitis; Hereditary chronic pancreatitis. Identifiers: Orphanet 676, MedGen C0238339, MONDO:0008185, OMIM 167800.
Melanoma-pancreatic cancer syndrome. Identifiers: Orphanet 404560, MedGen C1838547, MONDO:0011713, OMIM 606719. Disease mechanism: loss of function.

Allele frequency attached by ClinVar (database versions not stated): ExAC 0.00001; gnomAD exomes 0.00001; TOPMed 0.00002; gnomAD 0.00003.
gnomAD v4.1: 19 of 1,613,390 alleles (0.0012%); highest among the groups gnomAD compares: Non-Finnish European, 0.0014%; no homozygotes.

Submissions 1 to 9 of 26:

CFTR2
Classification: Pathogenic for Cystic fibrosis. Last evaluated: 2017-03-17. Review status: reviewed by expert panel. Criteria: Sosnay PR et al. (Nat Genet 2013). Collection method: research. Allele origin: germline. Affected: yes. Study: CFTR2.

Institute of Human Genetics, University of Leipzig Medical Center
Classification: Pathogenic for Cystic fibrosis. Last evaluated: 2026-03-27. Review status: criteria provided, single submitter. Criteria: ACMG Guidelines, 2015. Collection method: clinical testing. Allele origin: unknown. Inheritance: Autosomal recessive inheritance. Affected: yes. Not counted in ClinVar's aggregate classification.
Comment: Criteria applied: PVS1,PM3_VSTR,PM2_SUP,PP4

Labcorp Genetics (formerly Invitae), Labcorp
Classification: Pathogenic for Cystic fibrosis. Last evaluated: 2026-01-27. Review status: criteria provided, single submitter. Criteria: Invitae Variant Classification Sherloc (09022015). Collection method: clinical testing. Allele origin: germline. Not counted in ClinVar's aggregate classification.
Comment: This sequence change creates a premature translational stop signal (p.Tyr1092*) in the CFTR gene. It is expected to result in an absent or disrupted protein product. Loss-of-function variants in CFTR are known to be pathogenic (PMID: 1695717, 7691345, 9725922). The frequency data for this variant in the population databases is considered unreliable, as metrics indicate poor data quality at this position in the gnomAD database. This premature translational stop signal has been observed in individual(s) with cystic fibrosis and chronic pancreatitis. A second, pathogenic, CFTR variant was not reported in this individual (PMID: 10950058, 12815607, 15480987, 18456578, 21416780, 23974870, 24586523, 25910067). ClinVar contains an entry for this variant (Variation ID: 38728). Algorithms developed to predict the effect of sequence changes on RNA splicing suggest that this variant may disrupt the consensus splice site. For these reasons, this variant has been classified as Pathogenic.

PreventionGenetics, part of Exact Sciences
Classification: Pathogenic for CFTR-related condition. Last evaluated: 2026-01-10. Review status: criteria provided, single submitter. Criteria: ACMG Guidelines, 2015. Collection method: clinical testing. Allele origin: germline. Not counted in ClinVar's aggregate classification.
Comment: The CFTR c.3276C>A variant is predicted to result in premature protein termination (p.Tyr1092*). This variant has been reported in the compound heterozygous state in multiple individuals with cystic fibrosis (Bozon et al. 1994. PubMed ID: 7517268; Scotet et al. 2003. PubMed ID: 12815607; Sosnay et al. 2013. PubMed ID: 23974870; Ziętkiewicz et al. 2014. PubMed ID: 24586523; Lucarelli et al. 2015. PubMed ID: 25910067; Raraigh et al. 2022. PubMed ID: 34782259) and has been observed to co-segregate with disease in a large French Canadian family (De Braekeleer et al. 1998. PubMed ID: 9618063); it has also been reported as a single heterozygous variant in a patient with chronic pancreatitis (Ockenga et al. 2000. PubMed ID: 10950058). A different nucleotide substitution with the same predicted effect (c.3276C>G, p.Tyr1092*) has also been reported in multiple individuals with cystic fibrosis (Schrijver et al. 2005. PubMed ID: 16049310; Raraigh et al. 2022. PubMed ID: 34782259) and an absence of chloride channel function has been noted in in vitro studies of biopsied tissue samples and primary cell cultures from patients heterozygous for both the p.Phe508del and p.Tyr1092* variants (Hirtz et al. 2004. PubMed ID: 15480987; Awatade et al. 2015. PubMed ID: 26137539). This variant is reported in 0.0040% of alleles in individuals of African descent in gnomAD. Taken together, this variant is interpreted as pathogenic.

Victorian Clinical Genetics Services, Murdoch Childrens Research Institute
Classification: Pathogenic for Cystic fibrosis. Last evaluated: 2025-10-26. Review status: criteria provided, single submitter. Criteria: ACMG Guidelines, 2015. Collection method: clinical testing. Allele origin: germline. Affected: no. Not counted in ClinVar's aggregate classification.
Comment: This variant is classified as Pathogenic. Evidence in support of pathogenic classification: Variant is predicted to cause nonsense-mediated decay (NMD) and loss of protein (premature termination codon is located at least 54 nucleotides upstream of the final exon-exon junction); Variant is present in gnomAD <0.01 for a recessive condition (v4: 20 heterozygote(s), 0 homozygote(s)); This variant has strong previous evidence of pathogenicity in unrelated individuals. It has been classified as pathogenic by the CFTR2 expert panel and multiple clinical laboratories (CFTR2, ClinVar); Other NMD-predicted variant(s) comparable to the one identified in this case have very strong previous evidence for pathogenicity (DECIPHER). Additional information: This variant is heterozygous; This gene is associated with autosomal recessive disease; Loss of function is a known mechanism of disease in this gene and is associated with cystic fibrosis (MIM#219700).

Natera, Inc.
Classification: Pathogenic for CFTR-related disorders. Last evaluated: 2025-08-07. Review status: criteria provided, single submitter. Criteria: Natera Variant Classification Schema (03/2026). Collection method: clinical testing. Allele origin: germline. Not counted in ClinVar's aggregate classification.
Comment: The c.3276C>A variant in CFTR is a nonsense variant predicted to introduce a stop codon at amino acid 1092. This variant is expected to result in nonsense mediated decay, truncation, or a dysfunctional protein product. This variant is rare in the general population with a frequency below the threshold expected for the associated phenotype(s). This variant has been observed in one or more individuals affected with the associated recessive disease, as either homozygous or compound heterozygous with a second variant (PMID: 28546993). Given the available evidence, this variant is classified as Pathogenic.

Department of Genomics, ADN Uruguay
Classification: Pathogenic for Melanoma-pancreatic cancer syndrome. Last evaluated: 2025-03-01. Review status: criteria provided, single submitter. Criteria: Assertion Criteria Germline. Collection method: clinical testing. Allele origin: germline. Inheritance: Autosomal dominant inheritance. Affected: yes. Observed: 1 variant allele. Not counted in ClinVar's aggregate classification.
Comment: The CFTR c.3276C>A (p.Tyr1092*) variant is a nonsense change in exon 20 predicted to introduce a premature stop codon and lead to nonsense-mediated decay of the transcript. This variant results in loss of normal CFTR protein function (PVS1). It is absent from the 1000 Genomes and gnomAD databases (PM2) and has been reported in association with pancreatic disease and other CFTR-related phenotypes (PMID:25738998). Based on ACMG/AMP 2015 guidelines (PVS1 + PM2 + PP5), this variant is classified as Pathogenic.

Quest Diagnostics Nichols Institute San Juan Capistrano
Classification: Pathogenic. Last evaluated: 2024-12-18. Review status: criteria provided, single submitter. Criteria: Quest Diagnostics criteria. Collection method: clinical testing. Allele origin: unknown. Not counted in ClinVar's aggregate classification.
Comment: The CFTR c.3276C>A (p.Tyr1092*) variant causes the premature termination of CFTR protein synthesis. This variant has been reported in the published literature in individuals with cystic fibrosis (PMID: 7517268 (1994), 9618063 (1999), 12815607 (2003), 15480987 (2004), 23974870 (2013), 24586523 (2014), 34782259 (2021)) and pancreatitis (PMID: 10950058 (2000)). This variant has been described to cause CF when present with another CF-causing variant and is associated with pancreatic insufficiency (CFTR2). The frequency of this variant in the general population (Genome Aggregation Database) is uninformative in the assessment of its pathogenicity. Based on the available information, this variant is classified as pathogenic.

Blueprint Genetics
Classification: Pathogenic for CFTR-related disorders. Last evaluated: 2024-11-26. Review status: criteria provided, single submitter. Criteria: ACMG Guidelines, 2015. Collection method: clinical testing. Allele origin: germline. Affected: yes. Observed: 5 variant alleles. Not counted in ClinVar's aggregate classification.